The following is an entry in ClinVar:

NM_018668.5(VPS33B):c.869G>A (p.Arg290Gln)

Gene: VPS33B (VPS33B late endosome and lysosome associated; minus strand). Cytogenetic location: 15q26.1.
Variant type: single nucleotide variant.
Coding change: c.869G>A on transcript NM_018668.5 (MANE Select); coding-DNA position 869, G replaced by A.
Protein change: p.Arg290Gln; replaces arginine 290 with glutamine.
Molecular consequence: missense variant.
Genome position (GRCh38, 1-based): chr15:91,006,043, C>T on the plus strand (G>A on the coding strand, the complement: VPS33B is on the minus strand). VCF-style: chr15-91006043-C-T. GRCh37 (hg19) VCF-style: chr15-91549273-C-T.
Other names: c.788G>A, p.Arg263Gln (NM_001289148.1); c.596G>A, p.Arg199Gln (NM_001289149.1); short protein forms R199Q, R263Q, R290Q.
Identifiers: ClinVar variation 1308247 (VCV001308247.5), dbSNP rs767353387, ClinGen allele CA7744878.

ClinVar aggregate classification (germline): Uncertain significance. Review status: criteria provided, multiple submitters, no conflicts (2 of 4 stars). 4 submissions from 4 submitters: Uncertain significance (4). Last evaluated 2025-10-28.

Conditions:
Inborn genetic diseases. Identifiers: MedGen C0950123, MeSH D030342.

Allele frequency attached by ClinVar (database versions not stated): gnomAD exomes 0.00002 and 0.00008; TOPMed 0.00003; ExAC 0.00008.
gnomAD v4.1: 38 of 1,614,030 alleles (0.0024%); highest among the groups gnomAD compares: East Asian, 0.06%; no homozygotes.

Submissions (4):

Ambry Genetics
Classification: Uncertain significance for Inborn genetic diseases. Last evaluated: 2025-10-28. Review status: criteria provided, single submitter. Criteria: Ambry Variant Classification Scheme 2023. Collection method: clinical testing. Allele origin: germline.

Blueprint Genetics
Classification: Uncertain significance. Last evaluated: 2024-10-02. Review status: criteria provided, single submitter. Criteria: ACMG Guidelines, 2015. Collection method: clinical testing. Allele origin: germline.

Labcorp Genetics (formerly Invitae), Labcorp
Classification: Uncertain significance. Last evaluated: 2023-11-27. Review status: criteria provided, single submitter. Criteria: Invitae Variant Classification Sherloc (09022015). Collection method: clinical testing. Allele origin: germline.
Comment: This sequence change replaces arginine, which is basic and polar, with glutamine, which is neutral and polar, at codon 290 of the VPS33B protein (p.Arg290Gln). This variant is present in population databases (rs767353387, gnomAD 0.09%). This variant has not been reported in the literature in individuals affected with VPS33B-related conditions. ClinVar contains an entry for this variant (Variation ID: 1308247). Advanced modeling of protein sequence and biophysical properties (such as structural, functional, and spatial information, amino acid conservation, physicochemical variation, residue mobility, and thermodynamic stability) performed at Invitae indicates that this missense variant is expected to disrupt VPS33B protein function with a positive predictive value of 80%. In summary, the available evidence is currently insufficient to determine the role of this variant in disease. Therefore, it has been classified as a Variant of Uncertain Significance.

GeneDx
Classification: Uncertain significance. Last evaluated: 2019-03-27. Review status: criteria provided, single submitter. Criteria: GeneDx Variant Classification Process June 2021. Collection method: clinical testing. Allele origin: germline. Affected: yes.
Comment: Has not been previously published as pathogenic or benign to our knowledge; In silico analysis, which includes protein predictors and evolutionary conservation, supports a deleterious effect